The following is an entry in ClinVar:

NM_000350.3(ABCA4):c.6292A>G (p.Thr2098Ala)

Gene: ABCA4 (ATP binding cassette subfamily A member 4; minus strand). Cytogenetic location: 1p22.1.
Variant type: single nucleotide variant.
Coding change: c.6292A>G on transcript NM_000350.3 (MANE Select); coding-DNA position 6292, A replaced by G.
Protein change: p.Thr2098Ala; replaces threonine 2098 with alanine.
Molecular consequence: missense variant.
Genome position (GRCh38, 1-based): chr1:94,001,096, T>C on the plus strand (A>G on the coding strand, the complement: ABCA4 is on the minus strand). VCF-style: chr1-94001096-T-C. GRCh37 (hg19) VCF-style: chr1-94466652-T-C.
Other names: c.6070A>G, p.Thr2024Ala (NM_001425324.1); short protein forms T2098A, T2024A.
Identifiers: ClinVar variation 1061885 (VCV001061885.9), dbSNP rs2100994088, ClinGen allele CA341277618.

ClinVar aggregate classification (germline): Uncertain significance (1 of 4 stars; one submission).

Submission:

Labcorp Genetics (formerly Invitae), Labcorp
Classification: Uncertain significance. Last evaluated: 2025-01-06. Review status: criteria provided, single submitter. Criteria: Invitae Variant Classification Sherloc (09022015). Collection method: clinical testing. Allele origin: germline.
Comment: This sequence change replaces threonine, which is neutral and polar, with alanine, which is neutral and non-polar, at codon 2098 of the ABCA4 protein (p.Thr2098Ala). This variant is not present in population databases (gnomAD no frequency). This variant has not been reported in the literature in individuals affected with ABCA4-related conditions. ClinVar contains an entry for this variant (Variation ID: 1061885). Invitae Evidence Modeling of protein sequence and biophysical properties (such as structural, functional, and spatial information, amino acid conservation, physicochemical variation, residue mobility, and thermodynamic stability) indicates that this missense variant is expected to disrupt ABCA4 protein function with a positive predictive value of 95%. In summary, the available evidence is currently insufficient to determine the role of this variant in disease. Therefore, it has been classified as a Variant of Uncertain Significance.